The following is an entry in ClinVar:

ClinVar aggregate classification (germline): Uncertain significance (1 of 4 stars; one submission).

Allele frequency attached by ClinVar (database versions not stated): gnomAD exomes below 0.00001; TOPMed below 0.00001.

Submission:

Ambry Genetics
Classification: Uncertain significance. Last evaluated: 2025-02-26. Review status: criteria provided, single submitter. Criteria: Ambry Variant Classification Scheme 2023. Collection method: clinical testing. Allele origin: germline.
Comment: The p.T362S variant (also known as c.1085C>G), located in coding exon 8 of the ATRIP gene, results from a C to G substitution at nucleotide position 1085. The threonine at codon 362 is replaced by serine, an amino acid with similar properties. This amino acid position is conserved. In addition, this alteration is predicted to be tolerated by in silico analysis. Based on the available evidence, the clinical significance of this variant remains unclear.

NM_130384.3(ATRIP):c.1085C>G (p.Thr362Ser)

Genes: ATRIP (ATR interacting protein; plus strand), ATRIP-TREX1 (ATRIP-TREX1 readthrough; plus strand). Cytogenetic location: 3p21.31.
Variant type: single nucleotide variant.
Coding change: c.1085C>G on transcript NM_130384.3 (MANE Select); coding-DNA position 1085, C replaced by G.
Protein change: p.Thr362Ser; replaces threonine 362 with serine.
Molecular consequence: missense variant. On other transcripts: non-coding transcript variant (1).
Genome position (GRCh38, 1-based): chr3:48,460,139, C>G. VCF-style: chr3-48460139-C-G. GRCh37 (hg19) VCF-style: chr3-48501538-C-G.
Other names: c.704C>G, p.Thr235Ser (NM_001271022.2); c.806C>G, p.Thr269Ser (NM_001271023.2); c.1085C>G, p.Thr362Ser (NM_032166.4); short protein forms T235S, T362S, T269S.
Identifiers: ClinVar variation 2493289 (VCV002493289.3), dbSNP rs1199059483, ClinGen allele CA352720494.